The following is an entry in ClinVar:

ClinVar aggregate classification (germline): Likely benign. Review status: criteria provided, multiple submitters, no conflicts (2 of 4 stars). 2 submissions from 2 submitters: Likely benign (2). Last evaluated 2025-10-15.

Conditions:
Supravalvar aortic stenosis (SVAS). Also called: Supravalvar aortic stenosis, Eisenberg type. Identifiers: Orphanet 3193, MedGen C0003499, MONDO:0008504, OMIM 185500, HP:0004381.

Allele frequency attached by ClinVar (database versions not stated): gnomAD below 0.00001 and 0.00002; gnomAD exomes 0.00002 and 0.00004; ExAC 0.00007; 1000 Genomes Project 30x 0.00016; 1000 Genomes Project 0.00020.

Submissions (2):

Labcorp Genetics (formerly Invitae), Labcorp
Classification: Likely benign for Supravalvar aortic stenosis. Last evaluated: 2025-10-15. Review status: criteria provided, single submitter. Criteria: Invitae Variant Classification Sherloc (09022015). Collection method: clinical testing. Allele origin: germline.

GeneDx
Classification: Likely benign. Last evaluated: 2018-03-01. Review status: criteria provided, single submitter. Criteria: GeneDx Variant Classification (06012015). Collection method: clinical testing. Allele origin: germline. Affected: yes.
Comment: This variant is considered likely benign or benign based on one or more of the following criteria: it is a conservative change, it occurs at a poorly conserved position in the protein, it is predicted to be benign by multiple in silico algorithms, and/or has population frequency not consistent with disease.

NM_000501.4(ELN):c.1734T>C (p.Pro578=)

Genes: ELN-AS1 (ELN antisense RNA 1; minus strand), ELN (elastin; plus strand). Cytogenetic location: 7q11.23.
Variant type: single nucleotide variant.
Coding change: c.1734T>C on transcript NM_000501.4 (MANE Select); coding-DNA position 1734, T replaced by C.
Protein change: p.Pro578=; no amino-acid change (proline 578 retained).
Molecular consequence: synonymous variant.
Genome position (GRCh38, 1-based): chr7:74,060,488, T>C. VCF-style: chr7-74060488-T-C. GRCh37 (hg19) VCF-style: chr7-73474818-T-C.
Other names: c.1647T>C, p.Pro549= (NM_001081752.3); c.1692T>C, p.Pro564= (NM_001081753.3); c.1749T>C, p.Pro583= (NM_001081754.3); c.1677T>C, p.Pro559= (NM_001081755.3); c.1734T>C, p.Pro578= (NM_001278912.2); c.1491T>C, p.Pro497= (NM_001278913.2); c.1662T>C, p.Pro554= (NM_001278914.2); c.1752T>C, p.Pro584= (NM_001278915.2); and 4 more.
Identifiers: ClinVar variation 515815 (VCV000515815.2), dbSNP rs561258201, ClinGen allele CA4293166.